The following is an entry in ClinVar:

ClinVar aggregate classification (germline): Uncertain significance. Review status: criteria provided, multiple submitters, no conflicts (2 of 4 stars). 2 submissions from 2 submitters: Uncertain significance (2). Last evaluated 2025-10-06.

Conditions:
Progressive encephalopathy with leukodystrophy due to DECR deficiency. Identifiers: Orphanet 431361, MedGen C1857252, MONDO:0014464, OMIM 616034.
Inborn genetic diseases. Identifiers: MedGen C0950123, MeSH D030342.

Allele frequency attached by ClinVar (database versions not stated): ExAC 0.00001; gnomAD 0.00001 and 0.00002; gnomAD exomes 0.00001; 1000 Genomes Project 0.00020; 1000 Genomes Project 30x 0.00031.
gnomAD v4.1: 13 of 1,613,914 alleles (0.00081%); highest among the groups gnomAD compares: Admixed American, 0.0067%; 1 homozygote.

Submissions (2):

Labcorp Genetics (formerly Invitae), Labcorp
Classification: Uncertain significance for Progressive encephalopathy with leukodystrophy due to DECR deficiency. Last evaluated: 2025-10-06. Review status: criteria provided, single submitter. Criteria: Invitae Variant Classification Sherloc (09022015). Collection method: clinical testing. Allele origin: germline.
Comment: This sequence change replaces arginine, which is basic and polar, with threonine, which is neutral and polar, at codon 250 of the NADK2 protein (p.Arg250Thr). This variant is present in population databases (rs199611784, gnomAD 0.0009%). This variant has not been reported in the literature in individuals affected with NADK2-related conditions. ClinVar contains an entry for this variant (Variation ID: 1354273). Invitae Evidence Modeling of protein sequence and biophysical properties (such as structural, functional, and spatial information, amino acid conservation, physicochemical variation, residue mobility, and thermodynamic stability) indicates that this missense variant is not expected to disrupt NADK2 protein function with a negative predictive value of 80%. In summary, the available evidence is currently insufficient to determine the role of this variant in disease. Therefore, it has been classified as a Variant of Uncertain Significance.

Ambry Genetics
Classification: Uncertain significance for Inborn genetic diseases. Last evaluated: 2025-08-10. Review status: criteria provided, single submitter. Criteria: Ambry Variant Classification Scheme 2023. Collection method: clinical testing. Allele origin: germline.

NM_001085411.3(NADK2):c.749G>C (p.Arg250Thr)

Gene: NADK2 (NAD kinase 2, mitochondrial; minus strand). Cytogenetic location: 5p13.2.
Variant type: single nucleotide variant.
Coding change: c.749G>C on transcript NM_001085411.3 (MANE Select); coding-DNA position 749, G replaced by C.
Protein change: p.Arg250Thr; replaces arginine 250 with threonine.
Molecular consequence: missense variant.
Genome position (GRCh38, 1-based): chr5:36,217,780, C>G on the plus strand (G>C on the coding strand, the complement: NADK2 is on the minus strand). VCF-style: chr5-36217780-C-G. GRCh37 (hg19) VCF-style: chr5-36217882-C-G.
Other names: c.260G>C, p.Arg87Thr (NM_001287340.2, NM_001287341.2, NM_153013.5); c.749G>C (NM_001085411.1); short protein forms R87T, R250T.
Identifiers: ClinVar variation 1354273 (VCV001354273.8), dbSNP rs199611784, ClinGen allele CA3234627.
Genomic context (GRCh38, chr5:36,217,780, plus strand): 5'-AAACACATCTGATGCCCAATCCACCTACTTTCATCATGAGCTCTTTCAATGTTAAGGGCT[C>G]TATTGTGCTGATTCAAGCTTAGCTGCTGCTCGTGAAGGTCCACAGGTACAGGGTTTATGC-3'
Protein context (NP_001078880.1, residues 240-260): EQQLSLNQHN[Arg250Thr]ALNIERAHDE